The following is an entry in ClinVar:

ClinVar aggregate classification (germline): Uncertain significance. Review status: reviewed by expert panel (3 of 4 stars). 14 submissions from 14 submitters: Uncertain significance (1). 13 of the submissions do not count toward it. Last evaluated 2021-08-25.

Conditions:
Cardiovascular phenotype. Identifiers: MedGen CN230736.
MYH7-related disorder. Also called: MYH7-related disorders; MYH7-related condition; MYH7-related disease.
Myosin storage myopathy (CMYO7A). Also called: SCAPULOPERONEAL MUSCULAR DYSTROPHY; SCAPULOPERONEAL SYNDROME, MYOPATHIC TYPE; MYOPATHY, HYALINE BODY, AUTOSOMAL DOMINANT; Scapuloperoneal myopathy, MYH7-related; MYH7-related late-onset scapuloperoneal muscular dystrophy; Congenital myopathy 7A, myosin storage, autosomal dominant. Identifiers: Orphanet 437572, Orphanet 636965, MedGen C1842160, MONDO:0008409, OMIM 608358.
Cardiomyopathy (CMYO). Also called: Cardiomyopathies. Identifiers: Orphanet 167848, MedGen C0878544, MONDO:0004994, HP:0001638. Inheritance: Various modes of inheritance.
Hypertrophic cardiomyopathy 1 (CMH1). Also called: Familial hypertrophic cardiomyopathy 1; MYH7-Related Familial Hypertrophic Cardiomyopathy. Identifiers: MedGen C3495498, MONDO:0008647, OMIM 192600.
Primary familial hypertrophic cardiomyopathy (HCM). Identifiers: Orphanet 99739, MedGen C0949658, MeSH D024741, MONDO:0024573. Inheritance: Various modes of inheritance.
Hypertrophic cardiomyopathy. Also called: HYPERTROPHIC MYOCARDIOPATHY. Identifiers: Orphanet 217569, MedGen C0007194, MeSH D002312, MONDO:0005045, HP:0001639.

Allele frequency attached by ClinVar (database versions not stated): ExAC 0.00002; gnomAD exomes 0.00002; gnomAD 0.00003; TOPMed 0.00003; 1000 Genomes Project 30x 0.00016; 1000 Genomes Project 0.00020.
gnomAD v4.1: 62 of 1,614,170 alleles (0.0038%); highest among the groups gnomAD compares: East Asian, 0.0067%; no homozygotes.

Submissions 1 to 6 of 14:

ClinGen Cardiomyopathy Variant Curation Expert Panel
Classification: Uncertain significance for Hypertrophic cardiomyopathy. Last evaluated: 2021-08-25. Review status: reviewed by expert panel. Criteria: ClinGen CMP ACMG Specifications v1. Collection method: curation. Allele origin: germline. Inheritance: Autosomal dominant inheritance.
Comment: The NM_000257.4(MYH7):c.3133C>T (p.Arg1045Cys) variant has been identified in at least 12 individuals with HCM (PS4_Moderate; Olivotto 2008 PMID:18533079; Bos 2014 PMID:24793961; Homburger 2016 PMID:27247418; Rubattu 2016 PMID:27483260; Cecconi 2016 PMID:27600940; Walsh 2017 PMID: 27532257; Michels 2017 PMID:28005231) and in an additional individual with early-onset DCM that also carried a de novo TNNC1 variant (Hershberger 2008 PMID:19412328; Hershberger 2010 PMID:20215591; Rampersaud 2011 PMID:21483645; Pinto 2011; PMID:21832052). This variant was identified in 0.00152% (FAF 95% CI; 5/129168) of European chromosomes by gnomAD v2.1.1 (PM2). Computational prediction tools and conservation analysis suggest that this variant may impact the protein (PP3). In summary, due to insufficient evidence, this variant is classified as uncertain significance for hypertrophic cardiomyopathy in an autosomal dominant manner. MYH7-specific ACMG/AMP criteria applied (Kelly 2018 PMID:29300372): PS4_Moderate, PM2, PP3.

Labcorp Genetics (formerly Invitae), Labcorp
Classification: Pathogenic for Hypertrophic cardiomyopathy. Last evaluated: 2025-12-01. Review status: criteria provided, single submitter. Criteria: Invitae Variant Classification Sherloc (09022015). Collection method: clinical testing. Allele origin: germline. Not counted in ClinVar's aggregate classification.
Comment: This sequence change replaces arginine, which is basic and polar, with cysteine, which is neutral and slightly polar, at codon 1045 of the MYH7 protein (p.Arg1045Cys). This variant is present in population databases (rs45611033, gnomAD 0.01%). This missense change has been observed in individuals with hypertrophic cardiomyopathy (PMID: 26199943, 27247418, 27532257). ClinVar contains an entry for this variant (Variation ID: 177753). Invitae Evidence Modeling of protein sequence and biophysical properties (such as structural, functional, and spatial information, amino acid conservation, physicochemical variation, residue mobility, and thermodynamic stability) indicates that this missense variant is expected to disrupt MYH7 protein function with a positive predictive value of 95%. This variant disrupts the p.Arg1045 amino acid residue in MYH7. Other variant(s) that disrupt this residue have been determined to be pathogenic (PMID: 26199943, 27247418, 27532257). This suggests that this residue is clinically significant, and that variants that disrupt this residue are likely to be disease-causing. For these reasons, this variant has been classified as Pathogenic.

GeneDx
Classification: Likely pathogenic. Last evaluated: 2025-11-05. Review status: criteria provided, single submitter. Criteria: GeneDx Variant Classification Process June 2021. Collection method: clinical testing. Allele origin: germline. Affected: yes. Not counted in ClinVar's aggregate classification.
Comment: Reported in association with DCM; at least one affected patient also harbored a de novo variant in the TNNC1 gene (PMID: 21832052, 21483645, 37461109); Identified in a patient with unexplained sudden cardiac death (SCD) and a patient with early-onset atrial fibrillation (AF) in published literature (PMID: 34076677, 34495297); In silico analysis supports that this missense variant has a deleterious effect on protein structure/function; This variant is associated with the following publications: (PMID: 24793961, 28005231, 23403236, 27600940, 22763267, 26332594, 24510615, 29300372, 18533079, 27483260, 21483645, 27247418, 27532257, 20215591, 19412328, 33179204, 34135346, 33087929, 32894683, 34363016, 30297972, 31517061, 34542152, 34495297, 36423990, 35653365, 34076677, 21832052, 35130036, 37652022, 36264615, 37461109)

Color Diagnostics, LLC DBA Color Health
Classification: Likely pathogenic for Cardiomyopathy. Last evaluated: 2025-09-12. Review status: criteria provided, single submitter. Criteria: ACMG Guidelines, 2015. Collection method: clinical testing. Allele origin: germline. Not counted in ClinVar's aggregate classification.
Comment: This missense variant replaces arginine with cysteine at codon 1045 in the neck and hinge (S2) domain of the MYH7 protein. Computational prediction tools indicate that this variant has a deleterious impact on protein structure and function. To our knowledge, functional studies have not been reported for this variant. This variant has been reported in more than ten individuals affected with hypertrophic cardiomyopathy (PMID: 18533079, 24510615, 27247418, 27483260, 27532257, 27600940, 28005231, 32894683, 33495596, 33495597ClinVar SCV000204029.4). This variant has been reported in one infant affected with dilated cardiomyopathy, who also carried a de novo variant in the TNNC1 gene, as well as in an unaffected parent (PMID: 21832052). This variant has also been reported in one additional individual affected with dilated cardiomyopathy (PMID: 37461109). This variant has been identified in 8/280246 chromosomes in the general population by the Genome Aggregation Database (gnomAD). A different missense variant at the same codon, p.Arg1045Leu, is considered to be disease-causing (ClinVar variation ID: 42948), indicating functional and clinical importance of this position. Based on the available evidence, this variant is classified as Likely Pathogenic.

Women's Health and Genetics/Laboratory Corporation of America, LabCorp
Classification: Pathogenic for Primary familial hypertrophic cardiomyopathy. Last evaluated: 2025-06-23. Review status: criteria provided, single submitter. Criteria: LabCorp Variant Classification Summary - May 2015. Collection method: clinical testing. Allele origin: germline. Not counted in ClinVar's aggregate classification.
Comment: Variant summary: MYH7 c.3133C>T (p.Arg1045Cys) results in a non-conservative amino acid change in the encoded protein sequence. Algorithms developed to predict the effect of missense changes on protein structure and function all suggest that this variant is likely to be disruptive. The variant allele was found at a frequency of 2.4e-05 in 251472 control chromosomes. c.3133C>T has been observed in the heterozygous state in multiple individuals affected with Hypertrophic Cardiomyopathy (Kelly_2018). These data indicate that the variant is very likely to be associated with disease. To our knowledge, no experimental evidence demonstrating an impact on protein function has been reported. The following publication has been ascertained in the context of this evaluation (PMID: 29300372). ClinVar contains an entry for this variant (Variation ID: 177753). Based on the evidence outlined above, the variant was classified as pathogenic.

Ambry Genetics
Classification: Likely pathogenic for Cardiovascular phenotype. Last evaluated: 2024-08-14. Review status: criteria provided, single submitter. Criteria: Ambry Variant Classification Scheme 2023. Collection method: clinical testing. Allele origin: germline. Not counted in ClinVar's aggregate classification.
Comment: The p.R1045C variant (also known as c.3133C>T), located in coding exon 23 of the MYH7 gene, results from a C to T substitution at nucleotide position 3133. The arginine at codon 1045 is replaced by cysteine, an amino acid with highly dissimilar properties. This variant has been reported in multiple individuals from hypertrophic cardiomyopathy cohorts (Olivotto I et al. Mayo Clin. Proc., 2008 Jun;83:630-8; Kapplinger JD et al. J Cardiovasc Transl Res, 2014 Apr;7:347-61; Rubattu S et al. Int J Mol Sci, 2016 Jul;17; Michels M et al. Neth Heart J, 2017 Mar;25:186-199; Walsh R et al. Genet. Med., 2017 02;19:192-203; Kelly MA et al. Genet Med, 2018 03;20:351-359). Another variant at the same codon, p.R1045L (c.3134G>T), has also been reported in association with HCM (Walsh R et al. Genet. Med., 2017 02;19:192-203). This amino acid position is highly conserved in available vertebrate species. In addition, this alteration is predicted to be deleterious by in silico analysis. Based on the majority of available evidence to date, this variant is likely to be pathogenic.

NM_000257.4(MYH7):c.3133C>T (p.Arg1045Cys)

Gene: MYH7 (myosin heavy chain 7; minus strand). Cytogenetic location: 14q11.2.
Variant type: single nucleotide variant.
Coding change: c.3133C>T on transcript NM_000257.4 (MANE Select); coding-DNA position 3133, C replaced by T.
Protein change: p.Arg1045Cys; replaces arginine 1045 with cysteine.
Molecular consequence: missense variant.
Genome position (GRCh38, 1-based): chr14:23,422,292, G>A on the plus strand (C>T on the coding strand, the complement: MYH7 is on the minus strand). VCF-style: chr14-23422292-G-A. GRCh37 (hg19) VCF-style: chr14-23891501-G-A.
Other names: NM_000257.3(MYH7):c.3133C>T; NM_000257.4(MYH7):c.3133C>T; short protein forms R1045C.
Identifiers: ClinVar variation 177753 (VCV000177753.73), dbSNP rs45611033, ClinGen allele CA013367.